The following is an entry in ClinVar:

ClinVar aggregate classification (germline): Likely benign (1 of 4 stars; one submission).

Allele frequency attached by ClinVar (database versions not stated): 1000 Genomes Project 30x 0.00016; 1000 Genomes Project 0.00020; ESP Exome Variant Server 0.00094; ExAC 0.00100; gnomAD exomes 0.00119.
gnomAD v4.1: 1,758 of 1,502,066 alleles (0.12%); highest among the groups gnomAD compares: Middle Eastern, 0.21%; 2 homozygotes.

Submissions (3):

CeGaT Center for Human Genetics Tuebingen
Classification: Likely benign. Last evaluated: 2023-03-01. Review status: criteria provided, single submitter. Criteria: CeGaT Center For Human Genetics Tuebingen Variant Classification Criteria Version 2. Collection method: clinical testing. Allele origin: germline. Affected: yes. Observed: 1 variant allele.
Comment: PCF11: BP4, BP7

Dr. Peter K. Rogan Lab, Western University
No classification provided (evidence only). Condition: Colon adenocarcinoma. Review status: no classification provided. Collection method: in vitro. Allele origin: not applicable. Functional consequence: retained intron. Not counted in ClinVar's aggregate classification.

Dr. Peter K. Rogan Lab, Western University
No classification provided (evidence only). Condition: Cervical cancer. Review status: no classification provided. Collection method: in vitro. Allele origin: not applicable. Functional consequence: retained intron. Not counted in ClinVar's aggregate classification.

NM_001346413.3(PCF11):c.4359A>T (p.Thr1453=)

Gene: PCF11 (PCF11 cleavage and polyadenylation factor subunit; plus strand). Cytogenetic location: 11q14.1.
Variant type: single nucleotide variant.
Coding change: c.4359A>T on transcript NM_001346413.3 (MANE Select); coding-DNA position 4359, A replaced by T.
Protein change: p.Thr1453=; no amino-acid change (threonine 1453 retained).
Molecular consequence: synonymous variant.
Genome position (GRCh38, 1-based): chr11:83,177,802, A>T. VCF-style: chr11-83177802-A-T. GRCh37 (hg19) VCF-style: chr11-82888844-A-T.
Other names: NC_000011.9:g.82888844A>T; c.4356A>T, p.Thr1452= (NM_001346414.2); c.3963A>T, p.Thr1321= (NM_001346415.2); c.3966A>T, p.Thr1322= (NM_015885.4).
Identifiers: ClinVar variation 2642236 (VCV002642236.25), dbSNP rs372080573, ClinGen allele CA6209997.